The following is an entry in ClinVar:

NM_000051.4(ATM):c.286G>A (p.Glu96Lys)

Gene: ATM (ATM serine/threonine kinase; plus strand). Cytogenetic location: 11q22.3.
Variant type: single nucleotide variant.
Coding change: c.286G>A on transcript NM_000051.4 (MANE Select); coding-DNA position 286, G replaced by A.
Protein change: p.Glu96Lys; replaces glutamic acid 96 with lysine.
Molecular consequence: missense variant.
Genome position (GRCh38, 1-based): chr11:108,229,278, G>A. VCF-style: chr11-108229278-G-A. GRCh37 (hg19) VCF-style: chr11-108100005-G-A.
Other names: c.286G>A, p.Glu96Lys (NM_001351834.2, NM_001351835.2, NM_001351836.2); short protein forms E96K.
Identifiers: ClinVar variation 2453971 (VCV002453971.2), dbSNP rs1591452100, ClinGen allele CA382521704.

ClinVar aggregate classification (germline): Uncertain significance (1 of 4 stars; one submission).

Conditions:
Hereditary cancer-predisposing syndrome. Also called: Neoplastic Syndromes, Hereditary; Hereditary neoplastic syndrome; Tumor predisposition; Hereditary Cancer Syndrome. Identifiers: Orphanet 140162, MedGen C0027672, MeSH D009386, MONDO:0015356.

Submission:

Ambry Genetics
Classification: Uncertain significance for Hereditary cancer-predisposing syndrome. Last evaluated: 2023-02-02. Review status: criteria provided, single submitter. Criteria: Ambry Variant Classification Scheme 2023. Collection method: clinical testing. Allele origin: germline.
Comment: The p.E96K variant (also known as c.286G>A), located in coding exon 3 of the ATM gene, results from a G to A substitution at nucleotide position 286. The glutamic acid at codon 96 is replaced by lysine, an amino acid with similar properties. This amino acid position is highly conserved in available vertebrate species. In addition, this alteration is predicted to be deleterious by in silico analysis. Since supporting evidence is limited at this time, the clinical significance of this alteration remains unclear.